The following is an entry in ClinVar:

ClinVar aggregate classification (germline): Uncertain significance. Review status: criteria provided, multiple submitters, no conflicts (2 of 4 stars). 2 submissions from 2 submitters: Uncertain significance (2). Last evaluated 2026-03-26.

Submissions (2):

GeneDx
Classification: Uncertain significance. Last evaluated: 2026-03-26. Review status: criteria provided, single submitter. Criteria: GeneDx Variant Classification Process June 2021. Collection method: clinical testing. Allele origin: germline.
Comment: Not observed at significant frequency in large population cohorts (gnomAD); In silico analysis supports that this missense variant has a deleterious effect on protein structure/function; Has not been previously published as pathogenic or benign to our knowledge

Blueprint Genetics
Classification: Uncertain significance. Last evaluated: 2021-09-15. Review status: criteria provided, single submitter. Criteria: ACMG Guidelines, 2015. Collection method: clinical testing. Allele origin: germline.

NM_177559.3(CSNK2A1):c.650G>A (p.Ser217Asn)

Gene: CSNK2A1 (casein kinase 2 alpha 1; minus strand). Cytogenetic location: 20p13.
Variant type: single nucleotide variant.
Coding change: c.650G>A on transcript NM_177559.3 (MANE Select); coding-DNA position 650, G replaced by A.
Protein change: p.Ser217Asn; replaces serine 217 with asparagine.
Molecular consequence: missense variant.
Genome position (GRCh38, 1-based): chr20:489,853, C>T on the plus strand (G>A on the coding strand, the complement: CSNK2A1 is on the minus strand). VCF-style: chr20-489853-C-T. GRCh37 (hg19) VCF-style: chr20-470497-C-T.
Other names: c.650G>A, p.Ser217Asn (NM_001362770.2, NM_001362771.2, NM_001895.4); c.242G>A, p.Ser81Asn (NM_177560.3); c.650G>A (NM_001895.3); short protein forms S81N, S217N.
Identifiers: ClinVar variation 4944076 (VCV004944076.2).